The following is an entry in ClinVar:

NM_017654.4(SAMD9):c.611C>T (p.Ala204Val)

Gene: SAMD9 (sterile alpha motif domain containing 9; minus strand). Cytogenetic location: 7q21.2.
Variant type: single nucleotide variant.
Coding change: c.611C>T on transcript NM_017654.4 (MANE Select); coding-DNA position 611, C replaced by T.
Protein change: p.Ala204Val; replaces alanine 204 with valine.
Molecular consequence: missense variant.
Genome position (GRCh38, 1-based): chr7:93,105,487, G>A on the plus strand (C>T on the coding strand, the complement: SAMD9 is on the minus strand). VCF-style: chr7-93105487-G-A. GRCh37 (hg19) VCF-style: chr7-92734800-G-A.
Other names: c.611C>T, p.Ala204Val (NM_001193307.2); short protein forms A204V.
Identifiers: ClinVar variation 2069891 (VCV002069891.4), dbSNP rs2535362620, ClinGen allele CA368204481.

ClinVar aggregate classification (germline): Uncertain significance (1 of 4 stars; one submission).

Submission:

Labcorp Genetics (formerly Invitae), Labcorp
Classification: Uncertain significance. Last evaluated: 2022-01-02. Review status: criteria provided, single submitter. Criteria: Invitae Variant Classification Sherloc (09022015). Collection method: clinical testing. Allele origin: germline.
Comment: This variant has not been reported in the literature in individuals affected with SAMD9-related conditions. This variant is not present in population databases (gnomAD no frequency). This sequence change replaces alanine, which is neutral and non-polar, with valine, which is neutral and non-polar, at codon 204 of the SAMD9 protein (p.Ala204Val). In summary, the available evidence is currently insufficient to determine the role of this variant in disease. Therefore, it has been classified as a Variant of Uncertain Significance. Algorithms developed to predict the effect of missense changes on protein structure and function are either unavailable or do not agree on the potential impact of this missense change (SIFT: "Deleterious"; PolyPhen-2: "Benign"; Align-GVGD: "Class C0").